The following is an entry in ClinVar:

ClinVar aggregate classification (germline): Pathogenic (1 of 4 stars; one submission).

Conditions:
PRPH2-related disorder. Also called: PRPH2-related disorders; PRPH2-related condition. Identifiers: MedGen CN239395.

Submission:

Labcorp Genetics (formerly Invitae), Labcorp
Classification: Pathogenic for PRPH2-related disorder. Last evaluated: 2024-02-01. Review status: criteria provided, single submitter. Criteria: Invitae Variant Classification Sherloc (09022015). Collection method: clinical testing. Allele origin: germline.
Comment: This sequence change creates a premature translational stop signal (p.Tyr236Leufs*65) in the PRPH2 gene. While this is not anticipated to result in nonsense mediated decay, it is expected to disrupt the last 111 amino acid(s) of the PRPH2 protein. This variant is not present in population databases (gnomAD no frequency). This variant has not been reported in the literature in individuals affected with PRPH2-related conditions. This variant disrupts a region of the PRPH2 protein in which other variant(s) (p.Val332Glu) have been determined to be pathogenic (PMID: 30718709, 32531846). This suggests that this is a clinically significant region of the protein, and that variants that disrupt it are likely to be disease-causing. For these reasons, this variant has been classified as Pathogenic.

Literature cited by the submitters: PubMed 30718709; PubMed 32531846.

NM_000322.5(PRPH2):c.706dup (p.Tyr236fs)

Gene: PRPH2 (peripherin 2; minus strand). Cytogenetic location: 6p21.1.
Variant type: Duplication.
Coding change: c.706dup on transcript NM_000322.5 (MANE Select); coding-DNA position 706, one base duplicated (T; older notation c.706dupT).
Protein change: p.Tyr236fs; shifts the reading frame from tyrosine 236.
Molecular consequence: frameshift variant.
Genome position (GRCh38, 1-based): chr6:42,704,487, A duplicated on the plus strand (T on the coding strand, the reverse complement: PRPH2 is on the minus strand); the first of 2 consecutive A bases (chr6:42,704,487-42,704,488); duplicating either gives the same sequence. VCF-style (leftmost placement, unchanged base first): chr6-42704486-T-TA. GRCh37 (hg19) VCF-style: chr6-42672224-T-TA.
Other names: short protein forms Y236fs.
Identifiers: ClinVar variation 3638144 (VCV003638144.2).